The following is an entry in ClinVar:

NM_170606.3(KMT2C):c.3728A>T (p.Asp1243Val)

Gene: KMT2C (lysine methyltransferase 2C; minus strand). Cytogenetic location: 7q36.1.
Variant type: single nucleotide variant.
Coding change: c.3728A>T on transcript NM_170606.3 (MANE Select); coding-DNA position 3728, A replaced by T.
Protein change: p.Asp1243Val; replaces aspartic acid 1243 with valine.
Molecular consequence: missense variant.
Genome position (GRCh38, 1-based): chr7:152,207,413, T>A on the plus strand (A>T on the coding strand, the complement: KMT2C is on the minus strand). VCF-style: chr7-152207413-T-A. GRCh37 (hg19) VCF-style: chr7-151904498-T-A.
Other names: short protein forms D1243V.
Identifiers: ClinVar variation 3343224 (VCV003343224.1).

ClinVar aggregate classification (germline): Uncertain significance (1 of 4 stars; one submission).

Submission:

GeneDx
Classification: Uncertain significance. Last evaluated: 2023-05-01. Review status: criteria provided, single submitter. Criteria: GeneDx Variant Classification Process June 2021. Collection method: clinical testing. Allele origin: germline. Affected: yes.
Comment: Not observed at significant frequency in large population cohorts (gnomAD); In silico analysis supports that this missense variant has a deleterious effect on protein structure/function; Has not been previously published as pathogenic or benign to our knowledge